The following is an entry in ClinVar:

NM_001370259.2(MEN1):c.930G>T (p.Lys310Asn)

Gene: MEN1 (menin 1; minus strand). Cytogenetic location: 11q13.1.
Variant type: single nucleotide variant.
Coding change: c.930G>T on transcript NM_001370259.2 (MANE Select); coding-DNA position 930, G replaced by T.
Protein change: p.Lys310Asn; replaces lysine 310 with asparagine.
Molecular consequence: missense variant.
Genome position (GRCh38, 1-based): chr11:64,806,351, C>A on the plus strand (G>T on the coding strand, the complement: MEN1 is on the minus strand). VCF-style: chr11-64806351-C-A. GRCh37 (hg19) VCF-style: chr11-64573823-C-A.
Other names: c.945G>T, p.Lys315Asn (NM_000244.4, NM_130800.3, NM_130801.3 and 3 more transcripts); c.930G>T, p.Lys310Asn (NM_001370251.2, NM_130799.3, NM_001370260.2 and 1 more transcripts); c.825G>T, p.Lys275Asn (NM_001370263.2, NM_001370262.2); short protein forms K315N, K275N, K310N.
Identifiers: ClinVar variation 971705 (VCV000971705.9), dbSNP rs1941731256, ClinGen allele CA381183427.

ClinVar aggregate classification (germline): Uncertain significance (1 of 4 stars; one submission).

Conditions:
Multiple endocrine neoplasia, type 1 (MEN1). Also called: MEA I; MEN I; WERMER SYNDROME; Endocrine adenomatosis multiple; MEN 1. Identifiers: Orphanet 652, MedGen C0025267, MeSH D018761, MONDO:0007540, OMIM 131100.

Submission:

Labcorp Genetics (formerly Invitae), Labcorp
Classification: Uncertain significance for Multiple endocrine neoplasia, type 1. Last evaluated: 2019-10-14. Review status: criteria provided, single submitter. Criteria: Invitae Variant Classification Sherloc (09022015). Collection method: clinical testing. Allele origin: germline.
Comment: In summary, this variant has uncertain impact on MEN1 function. The available evidence is currently insufficient to determine its role in disease. Therefore, it has been classified as a Variant of Uncertain Significance. Algorithms developed to predict the effect of missense changes on protein structure and function do not agree on the potential impact of this missense change (SIFT: "Deleterious"; PolyPhen-2: "Benign"; Align-GVGD: "Class C0"). This variant has not been reported in the literature in individuals with a MEN1-related disease. This variant is not present in population databases (ExAC no frequency). This sequence change replaces lysine with asparagine at codon 310 of the MEN1 protein (p.Lys310Asn). The lysine residue is moderately conserved and there is a moderate physicochemical difference between lysine and asparagine.